The following is an entry in ClinVar:

ClinVar aggregate classification (germline): Uncertain significance (1 of 4 stars; one submission).

Submission:

GeneDx
Classification: Uncertain significance. Last evaluated: 2023-05-01. Review status: criteria provided, single submitter. Criteria: GeneDx Variant Classification Process June 2021. Collection method: clinical testing. Allele origin: germline. Affected: yes.
Comment: Not observed at significant frequency in large population cohorts (gnomAD); In silico analysis supports that this missense variant does not alter protein structure/function; Has not been previously published as pathogenic or benign to our knowledge

NM_030624.3(KLHL15):c.577C>T (p.Pro193Ser)

Genes: KLHL15 (kelch like family member 15; minus strand), LOC114022706 (Sharpr-MPRA regulatory region 13558; plus strand). Cytogenetic location: Xp22.11.
Variant type: single nucleotide variant.
Coding change: c.577C>T on transcript NM_030624.3 (MANE Select); coding-DNA position 577, C replaced by T.
Protein change: p.Pro193Ser; replaces proline 193 with serine.
Molecular consequence: missense variant.
Genome position (GRCh38, 1-based): chrX:24,006,117, G>A on the plus strand (C>T on the coding strand, the complement: KLHL15 is on the minus strand). VCF-style: chrX-24006117-G-A. GRCh37 (hg19) VCF-style: chrX-24024234-G-A.
Other names: short protein forms P193S.
Identifiers: ClinVar variation 2662832 (VCV002662832.1), dbSNP rs2518541699, ClinGen allele CA412595657.